The following is an entry in ClinVar:

NM_003172.4(SURF1):c.834G>A (p.Trp278Ter)

Gene: SURF1 (SURF1 cytochrome c oxidase assembly factor; minus strand). Cytogenetic location: 9q34.2.
Variant type: single nucleotide variant.
Coding change: c.834G>A on transcript NM_003172.4 (MANE Select); coding-DNA position 834, G replaced by A.
Protein change: p.Trp278Ter; replaces tryptophan 278 with a stop codon.
Molecular consequence: nonsense.
Genome position (GRCh38, 1-based): chr9:133,351,982, C>T on the plus strand (G>A on the coding strand, the complement: SURF1 is on the minus strand). VCF-style: chr9-133351982-C-T. GRCh37 (hg19) VCF-style: chr9-136218837-C-T.
Other names: c.507G>A, p.Trp169Ter (NM_001280787.1); short protein forms W169*, W278*.
Identifiers: ClinVar variation 928763 (VCV000928763.5), dbSNP rs782601312, ClinGen allele CA200831946.

ClinVar aggregate classification (germline): Pathogenic. Review status: criteria provided, multiple submitters, no conflicts (2 of 4 stars). 2 submissions from 2 submitters: Pathogenic (2). Last evaluated 2024-02-15.

Conditions:
Leigh syndrome (NULS). Also called: Leigh's syndrome; Leigh Disease; Subacute necrotizing encephalopathy; Necrotizing encephalopathy infantile subacute of Leigh; LEIGH SYNDROME, NUCLEAR; Leigh Syndrome (mtDNA deletion). Identifiers: Orphanet 506, MedGen C2931891, MONDO:0009723, OMIM 256000.

Allele frequency attached by ClinVar (database versions not stated): gnomAD exomes 0.00001; TOPMed 0.00001; ExAC 0.00002.

Submissions (2):

Labcorp Genetics (formerly Invitae), Labcorp
Classification: Pathogenic for Leigh syndrome. Last evaluated: 2024-02-15. Review status: criteria provided, single submitter. Criteria: Invitae Variant Classification Sherloc (09022015). Collection method: clinical testing. Allele origin: germline.
Comment: This sequence change creates a premature translational stop signal (p.Trp278*) in the SURF1 gene. While this is not anticipated to result in nonsense mediated decay, it is expected to disrupt the last 23 amino acid(s) of the SURF1 protein. This variant is present in population databases (rs782601312, gnomAD 0.003%). This premature translational stop signal has been observed in individual(s) with Leigh syndrome (PMID: 16225813, 24462369). It has also been observed to segregate with disease in related individuals. ClinVar contains an entry for this variant (Variation ID: 928763). This variant disrupts a region of the SURF1 protein in which other variant(s) (p.Ser282Cysfs*9) have been determined to be pathogenic (PMID: 9837813, 16326995, 18583168, 22488715, 23829769). This suggests that this is a clinically significant region of the protein, and that variants that disrupt it are likely to be disease-causing. For these reasons, this variant has been classified as Pathogenic.

Women's Health and Genetics/Laboratory Corporation of America, LabCorp
Classification: Pathogenic for Leigh syndrome. Last evaluated: 2019-12-26. Review status: criteria provided, single submitter. Criteria: LabCorp Variant Classification Summary - May 2015. Collection method: clinical testing. Allele origin: germline.
Comment: Variant summary: SURF1 c.834G>A (p.Trp278X) results in a premature termination codon, predicted to cause a truncation of the encoded protein or absence of the protein due to nonsense mediated decay, which are commonly known mechanisms for disease. Truncations downstream of this position have been classified as pathogenic by our laboratory. The variant allele was found at a frequency of 8e-06 in 250368 control chromosomes. c.834G>A has been reported in the literature in at-least two siblings with consanguineous parents who were both affected with Leigh syndrome (Tay_2005). These data indicate that the variant is likely to be associated with disease. To our knowledge, no experimental evidence demonstrating an impact on protein function has been reported. No clinical diagnostic laboratories have submitted clinical-significance assessments for this variant to ClinVar after 2014. Based on the evidence outlined above, the variant was classified as pathogenic.

Literature cited by the submitters: PubMed 16225813 (cited by Labcorp Genetics (formerly Invitae), Labcorp and Women's Health and Genetics/Laboratory Corporation of America, LabCorp); PubMed 24462369 (cited by Labcorp Genetics (formerly Invitae), Labcorp); PubMed 9837813 (cited by Labcorp Genetics (formerly Invitae), Labcorp); PubMed 16326995 (cited by Labcorp Genetics (formerly Invitae), Labcorp); PubMed 18583168 (cited by Labcorp Genetics (formerly Invitae), Labcorp); PubMed 22488715 (cited by Labcorp Genetics (formerly Invitae), Labcorp and Women's Health and Genetics/Laboratory Corporation of America, LabCorp); PubMed 23829769 (cited by Labcorp Genetics (formerly Invitae), Labcorp and Women's Health and Genetics/Laboratory Corporation of America, LabCorp); PubMed 29933018 (cited by Women's Health and Genetics/Laboratory Corporation of America, LabCorp).